The following is an entry in ClinVar:

NC_000011.9:g.(?_64573385)_(64575394_?)del

Gene: MEN1 (menin 1; minus strand). Cytogenetic location: 11q13.1.
Variant type: Deletion.
Identifiers: ClinVar variation 3244556 (VCV003244556.1).

ClinVar aggregate classification (germline): Pathogenic (1 of 4 stars; one submission).

Conditions:
Multiple endocrine neoplasia, type 1 (MEN1). Also called: Endocrine adenomatosis multiple; MEN 1; MEA I; MEN I; WERMER SYNDROME. Identifiers: Orphanet 652, MedGen C0025267, MeSH D018761, MONDO:0007540, OMIM 131100.

Submission:

Labcorp Genetics (formerly Invitae), Labcorp
Classification: Pathogenic for Multiple endocrine neoplasia, type 1. Last evaluated: 2023-03-17. Review status: criteria provided, single submitter. Criteria: Invitae Variant Classification Sherloc (09022015). Collection method: clinical testing. Allele origin: unknown.
Comment: For these reasons, this variant has been classified as Pathogenic. This variant disrupts a region of the MEN1 protein in which other variant(s) (p.Ala284Glu) have been determined to be pathogenic (PMID: 9463336, 15635078, 19953642). This suggests that this is a clinically significant region of the protein, and that variants that disrupt it are likely to be disease-causing. This variant has been observed in individual(s) with clinical features of multiple endocrine neoplasia type 1 (Invitae). This variant results in the deletion of exons 4-7 and part of exon 3 (c.623_1050-143del) of the MEN1 gene. It is expected to disrupt RNA splicing. Variants that disrupt the donor or acceptor splice site typically lead to a loss of protein function (PMID: 16199547), and loss-of-function variants in MEN1 are known to be pathogenic (PMID: 12112656, 17853334).

Literature cited by the submitters: PubMed 9463336; PubMed 15635078; PubMed 19953642; PubMed 16199547; PubMed 12112656; PubMed 17853334.